The following is an entry in ClinVar:

NM_001011.4(RPS7):c.521C>G (p.Ser174Cys)

Gene: RPS7 (ribosomal protein S7; plus strand). Cytogenetic location: 2p25.3.
Variant type: single nucleotide variant.
Coding change: c.521C>G on transcript NM_001011.4 (MANE Select); coding-DNA position 521, C replaced by G.
Protein change: p.Ser174Cys; replaces serine 174 with cysteine.
Molecular consequence: missense variant.
Genome position (GRCh38, 1-based): chr2:3,580,818, C>G. VCF-style: chr2-3580818-C-G. GRCh37 (hg19) VCF-style: chr2-3628408-C-G.
Other names: short protein forms S174C.
Identifiers: ClinVar variation 1443846 (VCV001443846.6), dbSNP rs14742, ClinGen allele CA345743835.

ClinVar aggregate classification (germline): Uncertain significance (1 of 4 stars; one submission).

Conditions:
Diamond-Blackfan anemia 8 (DBA8). Also called: RPS7-Related Diamond-Blackfan Anemia. Identifiers: Orphanet 124, MedGen C2675511, MONDO:0012939, OMIM 612563.

Submission:

Labcorp Genetics (formerly Invitae), Labcorp
Classification: Uncertain significance for Diamond-Blackfan anemia 8. Last evaluated: 2024-02-17. Review status: criteria provided, single submitter. Criteria: Invitae Variant Classification Sherloc (09022015). Collection method: clinical testing. Allele origin: germline.
Comment: This sequence change replaces serine, which is neutral and polar, with cysteine, which is neutral and slightly polar, at codon 174 of the RPS7 protein (p.Ser174Cys). This variant is not present in population databases (gnomAD no frequency). This variant has not been reported in the literature in individuals affected with RPS7-related conditions. ClinVar contains an entry for this variant (Variation ID: 1443846). An algorithm developed to predict the effect of missense changes on protein structure and function (PolyPhen-2) suggests that this variant is likely to be disruptive. In summary, the available evidence is currently insufficient to determine the role of this variant in disease. Therefore, it has been classified as a Variant of Uncertain Significance.